The following is an entry in ClinVar:

ClinVar aggregate classification (germline): Uncertain significance (1 of 4 stars; one submission).

Conditions:
Multiple acyl-CoA dehydrogenase deficiency (MADD). Also called: Glutaric aciduria, type 2; Glutaric acidemia type II; GA 2; ETHYLMALONIC-ADIPICACIDURIA; GA II; Glutaric Acidemia type 2. Identifiers: Orphanet 26791, MedGen C0268596, MONDO:0009282, OMIM 231680.

Allele frequency attached by ClinVar (database versions not stated): gnomAD exomes below 0.00001.

Submission:

Labcorp Genetics (formerly Invitae), Labcorp
Classification: Uncertain significance for Multiple acyl-CoA dehydrogenase deficiency. Last evaluated: 2024-10-18. Review status: criteria provided, single submitter. Criteria: Invitae Variant Classification Sherloc (09022015). Collection method: clinical testing. Allele origin: germline.
Comment: This sequence change replaces glycine, which is neutral and non-polar, with arginine, which is basic and polar, at codon 177 of the ETFDH protein (p.Gly177Arg). This variant is present in population databases (no rsID available, gnomAD 0.003%). This variant has not been reported in the literature in individuals affected with ETFDH-related conditions. ClinVar contains an entry for this variant (Variation ID: 2414428). Invitae Evidence Modeling of protein sequence and biophysical properties (such as structural, functional, and spatial information, amino acid conservation, physicochemical variation, residue mobility, and thermodynamic stability) indicates that this missense variant is expected to disrupt ETFDH protein function with a positive predictive value of 80%. In summary, the available evidence is currently insufficient to determine the role of this variant in disease. Therefore, it has been classified as a Variant of Uncertain Significance.

NM_004453.4(ETFDH):c.529G>A (p.Gly177Arg)

Gene: ETFDH (electron transfer flavoprotein dehydrogenase; plus strand). Cytogenetic location: 4q32.1.
Variant type: single nucleotide variant.
Coding change: c.529G>A on transcript NM_004453.4 (MANE Select); coding-DNA position 529, G replaced by A.
Protein change: p.Gly177Arg; replaces glycine 177 with arginine.
Molecular consequence: missense variant.
Genome position (GRCh38, 1-based): chr4:158,685,142, G>A. VCF-style: chr4-158685142-G-A. GRCh37 (hg19) VCF-style: chr4-159606294-G-A.
Other names: c.388G>A, p.Gly130Arg (NM_001281737.2); c.346G>A, p.Gly116Arg (NM_001281738.1); short protein forms G116R, G130R, G177R.
Identifiers: ClinVar variation 2414428 (VCV002414428.6), dbSNP rs1463795907, ClinGen allele CA358575426.